The following is an entry in ClinVar:

NM_012210.4(TRIM32):c.1931G>T (p.Ser644Ile)

Genes: ASTN2 (astrotactin 2; minus strand), TRIM32 (tripartite motif containing 32; plus strand). Cytogenetic location: 9q33.1.
Variant type: single nucleotide variant.
Coding change: c.1931G>T on transcript NM_012210.4 (MANE Select); coding-DNA position 1931, G replaced by T.
Protein change: p.Ser644Ile; replaces serine 644 with isoleucine.
Molecular consequence: missense variant. On other transcripts: intron variant (3).
Genome position (GRCh38, 1-based): chr9:116,699,673, G>T. VCF-style: chr9-116699673-G-T. GRCh37 (hg19) VCF-style: chr9-119461952-G-T.
Other names: c.1931G>T, p.Ser644Ile (NM_001099679.2, NM_001379048.1, NM_001379049.1 and 1 more transcripts); c.2653+26098C>A (NM_014010.5); c.2794+26098C>A (NM_001365069.1); c.2806+26098C>A (NM_001365068.1); short protein forms S644I.
Identifiers: ClinVar variation 944375 (VCV000944375.11), dbSNP rs765555919, ClinGen allele CA5211227.

ClinVar aggregate classification (germline): Uncertain significance. Review status: criteria provided, multiple submitters, no conflicts (2 of 4 stars). 3 submissions from 3 submitters: Uncertain significance (3). Last evaluated 2026-01-19.

Conditions:
Inborn genetic diseases. Identifiers: MedGen C0950123, MeSH D030342.
TRIM32-related disorder. Also called: TRIM32-related condition.
Bardet-Biedl syndrome (BBS). Identifiers: Orphanet 110, MedGen C0752166, MONDO:0015229.

Allele frequency attached by ClinVar (database versions not stated): ExAC 0.00001; gnomAD exomes 0.00001.
gnomAD v4.1: 3 of 1,614,162 alleles (0.00019%); highest among the groups gnomAD compares: Admixed American, 0.005%; no homozygotes.

Submissions (3):

PreventionGenetics, part of Exact Sciences
Classification: Uncertain significance for TRIM32-related condition. Last evaluated: 2026-01-19. Review status: criteria provided, single submitter. Criteria: ACMG Guidelines, 2015. Collection method: clinical testing. Allele origin: germline.
Comment: The TRIM32 c.1931G>T variant is predicted to result in the amino acid substitution p.Ser644Ile. To our knowledge, this variant has not been reported in the literature. This variant is reported in 0.0087% of alleles in individuals of Latino descent in gnomAD. At this time, the clinical significance of this variant is uncertain due to the absence of conclusive functional and genetic evidence.

Ambry Genetics
Classification: Uncertain significance for Inborn genetic diseases. Last evaluated: 2025-07-02. Review status: criteria provided, single submitter. Criteria: Ambry Variant Classification Scheme 2023. Collection method: clinical testing. Allele origin: germline.

Labcorp Genetics (formerly Invitae), Labcorp
Classification: Uncertain significance for Bardet-Biedl syndrome. Last evaluated: 2024-01-22. Review status: criteria provided, single submitter. Criteria: Invitae Variant Classification Sherloc (09022015). Collection method: clinical testing. Allele origin: germline.
Comment: This sequence change replaces serine, which is neutral and polar, with isoleucine, which is neutral and non-polar, at codon 644 of the TRIM32 protein (p.Ser644Ile). This variant is present in population databases (rs765555919, gnomAD 0.009%). This variant has not been reported in the literature in individuals affected with TRIM32-related conditions. ClinVar contains an entry for this variant (Variation ID: 944375). An algorithm developed to predict the effect of missense changes on protein structure and function (PolyPhen-2) suggests that this variant is likely to be tolerated. In summary, the available evidence is currently insufficient to determine the role of this variant in disease. Therefore, it has been classified as a Variant of Uncertain Significance.